The following is an entry in ClinVar:

ClinVar aggregate classification (germline): Pathogenic/Likely pathogenic. Review status: criteria provided, multiple submitters, no conflicts (2 of 4 stars). 2 submissions from 2 submitters: Pathogenic (1); Likely pathogenic (1). Last evaluated 2024-11-04.

Conditions:
HYPERHOMOCYSTEINEMIA, THROMBOTIC, CBS-RELATED. Identifiers: MedGen C3150344, OMIM 236200.

Submissions (2):

GeneDx
Classification: Pathogenic. Last evaluated: 2024-11-04. Review status: criteria provided, single submitter. Criteria: GeneDx Variant Classification Process June 2021. Collection method: clinical testing. Allele origin: germline. Affected: yes.
Comment: In silico analysis supports that this missense variant has a deleterious effect on protein structure/function; Not observed at significant frequency in large population cohorts (gnomAD); Has not been previously published as pathogenic or benign to our knowledge

Labcorp Genetics (formerly Invitae), Labcorp
Classification: Likely pathogenic for HYPERHOMOCYSTEINEMIA, THROMBOTIC, CBS-RELATED. Last evaluated: 2024-02-09. Review status: criteria provided, single submitter. Criteria: Invitae Variant Classification Sherloc (09022015). Collection method: clinical testing. Allele origin: germline.
Comment: This sequence change replaces arginine, which is basic and polar, with glycine, which is neutral and non-polar, at codon 121 of the CBS protein (p.Arg121Gly). This variant is not present in population databases (gnomAD no frequency). This variant has not been reported in the literature in individuals affected with CBS-related conditions. Advanced modeling of protein sequence and biophysical properties (such as structural, functional, and spatial information, amino acid conservation, physicochemical variation, residue mobility, and thermodynamic stability) performed at Invitae indicates that this missense variant is expected to disrupt CBS protein function with a positive predictive value of 95%. This variant disrupts the p.Arg121 amino acid residue in CBS. Other variant(s) that disrupt this residue have been determined to be pathogenic (PMID: 10338090, 16307898, 21520339; Invitae). This suggests that this residue is clinically significant, and that variants that disrupt this residue are likely to be disease-causing. In summary, the currently available evidence indicates that the variant is pathogenic, but additional data are needed to prove that conclusively. Therefore, this variant has been classified as Likely Pathogenic.

Literature cited by the submitters: PubMed 10338090 (cited by Labcorp Genetics (formerly Invitae), Labcorp); PubMed 16307898 (cited by Labcorp Genetics (formerly Invitae), Labcorp); PubMed 21520339 (cited by Labcorp Genetics (formerly Invitae), Labcorp).

NM_000071.3(CBS):c.361C>G (p.Arg121Gly)

Gene: CBS (cystathionine beta-synthase; minus strand). Cytogenetic location: 21q22.3.
Variant type: single nucleotide variant.
Coding change: c.361C>G on transcript NM_000071.3 (MANE Select); coding-DNA position 361, C replaced by G.
Protein change: p.Arg121Gly; replaces arginine 121 with glycine.
Molecular consequence: missense variant.
Genome position (GRCh38, 1-based): chr21:43,066,333, G>C on the plus strand (C>G on the coding strand, the complement: CBS is on the minus strand). VCF-style: chr21-43066333-G-C. GRCh37 (hg19) VCF-style: chr21-44486443-G-C.
Other names: c.361C>G, p.Arg121Gly (NM_001178008.3, NM_001178009.3, NM_001320298.2); c.46C>G, p.Arg16Gly (NM_001321072.1); short protein forms R121G, R16G.
Identifiers: ClinVar variation 2913713 (VCV002913713.4), dbSNP rs775992753, ClinGen allele CA410601866.
Genomic context (GRCh38, chr21:43,066,333, plus strand): 5'-TGTCCCCGGGCTTCAGCGTCCCGTCGCGCTCAGCATCCTCAATCATCCGCAGGCTGATGC[G>C]GTCCTTCACGCTCCCGCCCGCGTTGAAGAACTCACACTTGGCCACTGGGAGGCAGAGATG-3'
Protein context (NP_000062.1, residues 111-131): FFNAGGSVKD[Arg121Gly]ISLRMIEDAE